The following is an entry in ClinVar:

NM_006031.6(PCNT):c.976+6G>A

Gene: PCNT (pericentrin; plus strand). Cytogenetic location: 21q22.3.
Variant type: single nucleotide variant.
Coding change: c.976+6G>A on transcript NM_006031.6 (MANE Select); 6 bases into the intron after coding-DNA position 976, G replaced by A.
Molecular consequence: intron variant.
Genome position (GRCh38, 1-based): chr21:46,347,004, G>A. VCF-style: chr21-46347004-G-A. GRCh37 (hg19) VCF-style: chr21-47766918-G-A.
Other names: c.622+6G>A (NM_001315529.2).
Identifiers: ClinVar variation 3354331 (VCV003354331.1).
Genomic context (GRCh38, chr21:46,347,004, plus strand): 5'-GAGCAGCACGCACGGGAGAAGGAGGAGGTGGTGCTCAGGTGTGGACAGGAAGCAGGTACT[G>A]CATGGCTAGGCGGGCACGGGCAGCGTGTGGGCTCGGTGTGGGCATTCTAGTGCCTGTTCC-3'

ClinVar aggregate classification (germline): Likely benign (0 of 4 stars; one submission).

Conditions:
PCNT-related disorder. Also called: PCNT-related condition.

gnomAD v4.1: 4 of 1,592,164 alleles (0.00025%); highest among the groups gnomAD compares: Admixed American, 0.0018%; no homozygotes.

Submission:

PreventionGenetics, part of Exact Sciences
Classification: Likely benign for PCNT-related condition. Last evaluated: 2022-08-19. Review status: no assertion criteria provided. Collection method: clinical testing. Allele origin: germline.
Comment: This variant is classified as likely benign based on ACMG/AMP sequence variant interpretation guidelines (Richards et al. 2015 PMID: 25741868, with internal and published modifications).